The following is an entry in ClinVar:

NM_000466.3(PEX1):c.1143_1147dup (p.Val383fs)

Gene: PEX1 (peroxisomal biogenesis factor 1; minus strand). Cytogenetic location: 7q21.2.
Variant type: Duplication.
Coding change: c.1143_1147dup on transcript NM_000466.3 (MANE Select); coding-DNA positions 1143 to 1147, 5 bases duplicated (CTGTG; older notation c.1143_1147dupCTGTG).
Protein change: p.Val383fs; shifts the reading frame from valine 383.
Molecular consequence: frameshift variant.
Genome position (GRCh38, 1-based): chr7:92,517,368-92,517,372, CACAG duplicated on the plus strand (CTGTG on the coding strand, the reverse complement: PEX1 is on the minus strand). VCF-style (leftmost placement, unchanged base first): chr7-92517367-A-ACACAG. GRCh37 (hg19) VCF-style: chr7-92146681-A-ACACAG.
Other names: c.1143_1147dup, p.Val383fs (NM_001282677.2); c.519_523dup, p.Val175fs (NM_001282678.2); short protein forms V175fs, V383fs.
Identifiers: ClinVar variation 5013994 (VCV005013994.1).

ClinVar aggregate classification (germline): Pathogenic (1 of 4 stars; one submission).

Conditions:
Peroxisome biogenesis disorder. Identifiers: Orphanet 79189, MedGen C1832200, MONDO:0019234. Disease mechanism: loss of function.

Submission:

Myriad Genetics, Inc.
Classification: Pathogenic for Peroxisome biogenesis disorder. Last evaluated: 2025-01-21. Review status: criteria provided, single submitter. Criteria: Myriad Autosomal Dominant, Autosomal Recessive and X-Linked Classification Criteria (2023). Collection method: clinical testing. Allele origin: unknown.
Comment: NM_000466.2(PEX1):c.1143_1147dup5(V383Afs*6) is expected to be pathogenic in the context of peroxisome biogenesis disorder type 1. This variant is predicted to lead to an abnormal or absent protein product due to the creation of a premature termination codon in PEX1, a gene where loss-of-function variants are known to be pathogenic. Please note: this variant was assessed in the context of healthy population screening.